The following is an entry in ClinVar:

ClinVar aggregate classification (germline): Uncertain significance (1 of 4 stars; one submission).

Submission:

CeGaT Center for Human Genetics Tuebingen
Classification: Uncertain significance. Last evaluated: 2025-05-01. Review status: criteria provided, single submitter. Criteria: CeGaT Center For Human Genetics Tuebingen Variant Classification Criteria Version 2. Collection method: clinical testing. Allele origin: germline. Affected: yes. Observed: 1 variant allele.
Comment: EPX: PM2, BP4

NM_000502.6(EPX):c.1013A>G (p.Asn338Ser)

Gene: EPX (eosinophil peroxidase; plus strand). Cytogenetic location: 17q22.
Variant type: single nucleotide variant.
Coding change: c.1013A>G on transcript NM_000502.6 (MANE Select); coding-DNA position 1013, A replaced by G.
Protein change: p.Asn338Ser; replaces asparagine 338 with serine.
Molecular consequence: missense variant.
Genome position (GRCh38, 1-based): chr17:58,197,150, A>G. VCF-style: chr17-58197150-A-G. GRCh37 (hg19) VCF-style: chr17-56274511-A-G.
Other names: short protein forms N338S.
Identifiers: ClinVar variation 3906025 (VCV003906025.10).
Genomic context (GRCh38, chr17:58,197,150, plus strand): 5'-AGGTCTCCCTCTCGCTGCGGCTCCGCAACCGGACCAACTACCTGGGGCTGCTGGCCATCA[A>G]CCAGCGCTTTCAAGACAACGGCCGGGCCCTGCTGCCCTTCGACAACCTGCACGATGACCC-3'
Protein context (NP_000493.1, residues 328-348): RTNYLGLLAI[Asn338Ser]QRFQDNGRAL